The following is an entry in ClinVar:

ClinVar aggregate classification (germline): Benign (1 of 4 stars; one submission).

Allele frequency attached by ClinVar (database versions not stated): gnomAD 0.03902 and 0.04163; 1000 Genomes Project 0.04353; TOPMed 0.04386; 1000 Genomes Project 30x 0.04669; gnomAD exomes 0.00461.
gnomAD v4.1: 8,765 of 737,254 alleles (1.2%); highest among the groups gnomAD compares: African/African-American, 13%; 547 homozygotes.

Submission:

GeneDx
Classification: Benign. Last evaluated: 2018-06-14. Review status: criteria provided, single submitter. Criteria: GeneDx Variant Classification (06012015). Collection method: clinical testing. Allele origin: germline. Affected: yes.
Comment: This variant is considered likely benign or benign based on one or more of the following criteria: it is a conservative change, it occurs at a poorly conserved position in the protein, it is predicted to be benign by multiple in silico algorithms, and/or has population frequency not consistent with disease.

NM_014244.5(ADAMTS2):c.2959-194T>G

Gene: ADAMTS2 (ADAM metallopeptidase with thrombospondin type 1 motif 2; minus strand). Cytogenetic location: 5q35.3.
Variant type: single nucleotide variant.
Coding change: c.2959-194T>G on transcript NM_014244.5 (MANE Select); 194 bases into the intron before coding-DNA position 2959, T replaced by G.
Molecular consequence: intron variant.
Genome position (GRCh38, 1-based): chr5:179,122,967, A>C on the plus strand (T>G on the coding strand, the complement: ADAMTS2 is on the minus strand). VCF-style: chr5-179122967-A-C. GRCh37 (hg19) VCF-style: chr5-178549968-A-C.
Identifiers: ClinVar variation 678487 (VCV000678487.1), dbSNP rs11956212, ClinGen allele CA133026081.